The following is an entry in ClinVar:

ClinVar aggregate classification (germline): Benign/Likely benign. Review status: criteria provided, multiple submitters, no conflicts (2 of 4 stars). 3 submissions from 3 submitters: Benign (1); Likely benign (2). Last evaluated 2019-12-13.

Conditions:
Posterior column ataxia-retinitis pigmentosa syndrome (RETSNS). Also called: RETINOPATHY-SENSORY NEUROPATHY SYNDROME. Identifiers: Orphanet 88628, MedGen C1836916, MONDO:0012177, OMIM 609033.

Allele frequency attached by ClinVar (database versions not stated): gnomAD exomes 0.00521; 1000 Genomes Project 0.00899; gnomAD 0.00973 and 0.00929; 1000 Genomes Project 30x 0.01015; TOPMed 0.01028.
gnomAD v4.1: 5,949 of 1,006,838 alleles (0.59%); highest among the groups gnomAD compares: African/African-American, 1.9%; 35 homozygotes.

Submissions (3):

GeneDx
Classification: Likely benign. Last evaluated: 2019-12-13. Review status: criteria provided, single submitter. Criteria: GeneDx Variant Classification Process June 2021. Collection method: clinical testing. Allele origin: germline. Affected: yes.

Illumina Laboratory Services, Illumina
Classification: Benign for Posterior column ataxia-retinitis pigmentosa syndrome. Last evaluated: 2018-01-13. Review status: criteria provided, single submitter. Criteria: ICSL Variant Classification Criteria 13 December 2019. Collection method: clinical testing. Allele origin: germline.
Comment: This variant was observed in the ICSL laboratory as part of a predisposition screen in an ostensibly healthy population. It had not been previously curated by ICSL or reported in the Human Gene Mutation Database (HGMD: prior to June 1st, 2018), and was therefore a candidate for classification through an automated scoring system. Utilizing variant allele frequency, disease prevalence and penetrance estimates, and inheritance mode, an automated score was calculated to assess if this variant is too frequent to cause the disease. Based on the score and internal cut-off values, a variant classified as benign is not then subjected to further curation. The score for this variant resulted in a classification of benign for this disease.

Breakthrough Genomics
Classification: Likely benign. Review status: criteria provided, single submitter. Criteria: ACMG Guidelines, 2015. Collection method: not provided. Allele origin: germline. Inheritance: Autosomal recessive inheritance. Affected: yes.

NM_017791.3(FLVCR2):c.-111T>C

Genes: FLVCR2-AS1 (FLVCR2 antisense RNA 1; minus strand), FLVCR2 (FLVCR choline and putative heme transporter 2; plus strand). Cytogenetic location: 14q24.3.
Variant type: single nucleotide variant.
Coding change: c.-111T>C on transcript NM_017791.3 (MANE Select); 111 bases upstream of the start codon, T replaced by C.
Molecular consequence: 5 prime UTR variant. On other transcripts: non-coding transcript variant (1).
Genome position (GRCh38, 1-based): chr14:75,578,862, T>C. VCF-style: chr14-75578862-T-C. GRCh37 (hg19) VCF-style: chr14-76045205-T-C.
Identifiers: ClinVar variation 314405 (VCV000314405.8), dbSNP rs80001297, ClinGen allele CA10646165.